The following is an entry in ClinVar:

ClinVar aggregate classification (germline): Uncertain significance (1 of 4 stars; one submission).

Conditions:
Progressive myoclonic epilepsy. Also called: Familial progressive myoclonic epilepsy; Myoclonic Epilepsies, Progressive; Myoclonus epilepsy; Progressive myoclonus epilepsy. Identifiers: Orphanet 308, Orphanet 98261, MedGen C0751778, MONDO:0020074.

Allele frequency attached by ClinVar (database versions not stated): gnomAD exomes below 0.00001 and 0.00001; gnomAD 0.00001.
gnomAD v4.1: 6 of 1,613,354 alleles (0.00037%); highest among the groups gnomAD compares: Non-Finnish European, 0.00051%; no homozygotes.

Submission:

Labcorp Genetics (formerly Invitae), Labcorp
Classification: Uncertain significance for Progressive myoclonic epilepsy. Last evaluated: 2022-02-21. Review status: criteria provided, single submitter. Criteria: Invitae Variant Classification Sherloc (09022015). Collection method: clinical testing. Allele origin: germline.
Comment: This sequence change falls in intron 5 of the SCARB2 gene. It does not directly change the encoded amino acid sequence of the SCARB2 protein. This variant is present in population databases (no rsID available, gnomAD 0.002%). This variant has not been reported in the literature in individuals affected with SCARB2-related conditions. ClinVar contains an entry for this variant (Variation ID: 657075). Algorithms developed to predict the effect of sequence changes on RNA splicing suggest that this variant may disrupt the consensus splice site. In summary, the available evidence is currently insufficient to determine the role of this variant in disease. Therefore, it has been classified as a Variant of Uncertain Significance.

NM_005506.4(SCARB2):c.705-7A>G

Gene: SCARB2 (scavenger receptor class B member 2; minus strand). Cytogenetic location: 4q21.1.
Variant type: single nucleotide variant.
Coding change: c.705-7A>G on transcript NM_005506.4 (MANE Select); 7 bases into the intron before coding-DNA position 705, A replaced by G.
Molecular consequence: intron variant.
Genome position (GRCh38, 1-based): chr4:76,175,917, T>C on the plus strand (A>G on the coding strand, the complement: SCARB2 is on the minus strand). VCF-style: chr4-76175917-T-C. GRCh37 (hg19) VCF-style: chr4-77097070-T-C.
Other names: c.276-7A>G (NM_001204255.2).
Identifiers: ClinVar variation 657075 (VCV000657075.6), dbSNP rs1217073681, ClinGen allele CA552355249.
Genomic context (GRCh38, chr4:76,175,917, plus strand): 5'-CCATCTGTTCCATTAATCATATTGCACTTGTCTGTTATCCACCAGTCAAGTGACCTATAA[T>C]TGATAAGCACAAGAAAGAGTAAAGATGATCACATTTGAGTTTAGATTCTCTTAAATGGTC-3'